The following is an entry in ClinVar:

NM_004329.3(BMPR1A):c.431-5G>A

Gene: BMPR1A (bone morphogenetic protein receptor type 1A; plus strand). Cytogenetic location: 10q23.2.
Variant type: single nucleotide variant.
Coding change: c.431-5G>A on transcript NM_004329.3 (MANE Select); 5 bases into the intron before coding-DNA position 431, G replaced by A.
Molecular consequence: intron variant.
Genome position (GRCh38, 1-based): chr10:86,900,022, G>A. VCF-style: chr10-86900022-G-A. GRCh37 (hg19) VCF-style: chr10-88659779-G-A.
Identifiers: ClinVar variation 142248 (VCV000142248.22), dbSNP rs587782334, ClinGen allele CA167885.

ClinVar aggregate classification (germline): Likely benign. Review status: criteria provided, multiple submitters, no conflicts (2 of 4 stars). 5 submissions from 5 submitters: Likely benign (5). Last evaluated 2026-01-25.

Conditions:
Juvenile polyposis syndrome (JPS). Identifiers: Orphanet 2929, MedGen C0345893, MONDO:0017380, OMIM 174900.
Hereditary cancer-predisposing syndrome. Also called: Neoplastic Syndromes, Hereditary; Hereditary Cancer Syndrome; Hereditary neoplastic syndrome; Tumor predisposition. Identifiers: Orphanet 140162, MedGen C0027672, MeSH D009386, MONDO:0015356.

Allele frequency attached by ClinVar (database versions not stated): gnomAD 0.00001; gnomAD exomes 0.00001; TOPMed 0.00001; ExAC 0.00002.
gnomAD v4.1: 14 of 1,613,894 alleles (0.00087%); highest among the groups gnomAD compares: Non-Finnish European, 0.0011%; no homozygotes.

Submissions (5):

Labcorp Genetics (formerly Invitae), Labcorp
Classification: Likely benign for Juvenile polyposis syndrome. Last evaluated: 2026-01-25. Review status: criteria provided, single submitter. Criteria: Invitae Variant Classification Sherloc (09022015). Collection method: clinical testing. Allele origin: germline.

Myriad Genetics, Inc.
Classification: Likely benign for Juvenile polyposis syndrome. Last evaluated: 2024-08-01. Review status: criteria provided, single submitter. Criteria: Myriad Autosomal Dominant, Autosomal Recessive and X-Linked Classification Criteria (2023). Collection method: clinical testing. Allele origin: unknown.
Comment: This variant is considered likely benign. This variant is intronic and is not expected to impact mRNA splicing.

All of Us Research Program, National Institutes of Health
Classification: Likely benign for Juvenile polyposis syndrome. Last evaluated: 2023-12-07. Review status: criteria provided, single submitter. Criteria: ACMG Guidelines, 2015. Collection method: clinical testing. Allele origin: germline. Inheritance: Autosomal dominant inheritance. Observed: 2 variant alleles, 2 heterozygotes.
Comment: This study involves interpretation of variants in research participants for the purpose of population health screening. Participant phenotype was not available at the time of variant classification. Additional details can be found in publication PMID: 35346344, PMCID: PMC8962531

Color Diagnostics, LLC DBA Color Health
Classification: Likely benign for Hereditary cancer-predisposing syndrome. Last evaluated: 2023-04-03. Review status: criteria provided, single submitter. Criteria: ACMG Guidelines, 2015. Collection method: clinical testing. Allele origin: germline.

Ambry Genetics
Classification: Likely benign for Hereditary cancer-predisposing syndrome. Last evaluated: 2021-06-02. Review status: criteria provided, single submitter. Criteria: Ambry Variant Classification Scheme 2023. Collection method: clinical testing. Allele origin: germline.